The following is an entry in ClinVar:

NM_018100.4(EFHC1):c.559G>A (p.Asp187Asn)

Gene: EFHC1 (EF-hand domain containing 1; plus strand). Cytogenetic location: 6p12.2.
Variant type: single nucleotide variant.
Coding change: c.559G>A on transcript NM_018100.4 (MANE Select); coding-DNA position 559, G replaced by A.
Protein change: p.Asp187Asn; replaces aspartic acid 187 with asparagine.
Molecular consequence: missense variant. On other transcripts: non-coding transcript variant (1).
Genome position (GRCh38, 1-based): chr6:52,438,577, G>A. VCF-style: chr6-52438577-G-A. GRCh37 (hg19) VCF-style: chr6-52303375-G-A.
Other names: c.502G>A, p.Asp168Asn (NM_001172420.2); short protein forms D187N, D168N.
Identifiers: ClinVar variation 357480 (VCV000357480.14), dbSNP rs148615781, ClinGen allele CA3855767.

ClinVar aggregate classification (germline): Uncertain significance. Review status: criteria provided, multiple submitters, no conflicts (2 of 4 stars). 2 submissions from 2 submitters: Uncertain significance (2). Last evaluated 2023-11-13.

Conditions:
Typical absence seizure. Identifiers: MedGen C5551411, HP:0011147.
Myoclonic epilepsy, juvenile, susceptibility to, 1. Also called: Myoclonic Epilepsy, Juvenile, 1; EJM1. Identifiers: MedGen C1850778, MONDO:0020752, OMIM 254770.

Allele frequency attached by ClinVar (database versions not stated): ExAC 0.00001; gnomAD 0.00001; gnomAD exomes 0.00001 and 0.00005; ESP Exome Variant Server 0.00008.
gnomAD v4.1: 70 of 1,613,824 alleles (0.0043%); highest among the groups gnomAD compares: Non-Finnish European, 0.0056%; no homozygotes.

Submissions (2):

Ambry Genetics
Classification: Uncertain significance. Last evaluated: 2023-11-13. Review status: criteria provided, single submitter. Criteria: Ambry Variant Classification Scheme 2023. Collection method: clinical testing. Allele origin: germline.

Labcorp Genetics (formerly Invitae), Labcorp
Classification: Uncertain significance for Myoclonic epilepsy, juvenile, susceptibility to, 1; Absence seizure. Last evaluated: 2021-07-14. Review status: criteria provided, single submitter. Criteria: Invitae Variant Classification Sherloc (09022015). Collection method: clinical testing. Allele origin: germline.
Comment: This sequence change replaces aspartic acid with asparagine at codon 187 of the EFHC1 protein (p.Asp187Asn). The aspartic acid residue is highly conserved and there is a small physicochemical difference between aspartic acid and asparagine. This variant is present in population databases (rs148615781, ExAC 0.002%). This variant has not been reported in the literature in individuals affected with EFHC1-related conditions. This missense change has been observed in at least one individual who was not affected with EFHC1-related conditions (Invitae). ClinVar contains an entry for this variant (Variation ID: 357480). Algorithms developed to predict the effect of missense changes on protein structure and function are either unavailable or do not agree on the potential impact of this missense change (SIFT: "Deleterious"; PolyPhen-2: "Probably Damaging"; Align-GVGD: "Class C15"). In summary, the available evidence is currently insufficient to determine the role of this variant in disease. Therefore, it has been classified as a Variant of Uncertain Significance.